The following is an entry in ClinVar:

NM_018136.5(ASPM):c.7683_7684delinsGG (p.Ser2562Gly)

Gene: ASPM (assembly factor for spindle microtubules; minus strand). Cytogenetic location: 1q31.3.
Variant type: Indel.
Coding change: c.7683_7684delinsGG on transcript NM_018136.5 (MANE Select); coding-DNA positions 7683 to 7684, AA replaced by GG.
Protein change: p.Ser2562Gly; replaces serine 2562 with glycine.
Molecular consequence: missense variant. On other transcripts: intron variant (1).
Genome position (GRCh38, 1-based): chr1:197,101,567-197,101,568, TT replaced by CC on the plus strand (AA replaced by GG on the coding strand, the reverse complement: ASPM is on the minus strand). VCF-style: chr1-197101567-TT-CC. GRCh37 (hg19) VCF-style: chr1-197070697-TT-CC.
Other names: c.4066-5404_4066-5403delinsGG (NM_001206846.2); short protein forms S2562G.
Identifiers: ClinVar variation 1414804 (VCV001414804.8), dbSNP rs2125094105, ClinGen allele CA2573130635.
Genomic context (GRCh38, chr1:197,101,567, plus strand): 5'-TTTTTGTAGCCCACTGAAGCTTTTGGTAGAAACAATACTGCCTATACATTCTGTAGGTGC[TT>CC]TGTATTACGATAGAAGCTTTGTGTTTTTCCCTTAAAAGTTGTCTTGCTTTCATTCCTTTA-3'
Protein context (NP_060606.3, residues 2552-2572): EKHKASIVIQ[Ser2562Gly]TYRMYRQYCF

ClinVar aggregate classification (germline): Uncertain significance (1 of 4 stars; one submission).

Submission:

Labcorp Genetics (formerly Invitae), Labcorp
Classification: Uncertain significance. Last evaluated: 2022-07-12. Review status: criteria provided, single submitter. Criteria: Invitae Variant Classification Sherloc (09022015). Collection method: clinical testing. Allele origin: germline.
Comment: This sequence change replaces serine, which is neutral and polar, with glycine, which is neutral and non-polar, at codon 2562 of the ASPM protein (p.Ser2562Gly). Information on the frequency of this variant in the gnomAD database is not available, as this variant may be reported differently in the database. This variant has not been reported in the literature in individuals affected with ASPM-related conditions. ClinVar contains an entry for this variant (Variation ID: 1414804). Experimental studies and prediction algorithms are not available or were not evaluated, and the functional significance of this variant is currently unknown. Algorithms developed to predict the effect of sequence changes on RNA splicing suggest that this variant may create or strengthen a splice site. In summary, the available evidence is currently insufficient to determine the role of this variant in disease. Therefore, it has been classified as a Variant of Uncertain Significance.